The following is an entry in ClinVar:

NM_018006.5(TRMU):c.244T>G (p.Phe82Val)

Gene: TRMU (tRNA mitochondrial 2-thiouridylase; plus strand). Cytogenetic location: 22q13.31.
Variant type: single nucleotide variant.
Coding change: c.244T>G on transcript NM_018006.5 (MANE Select); coding-DNA position 244, T replaced by G.
Protein change: p.Phe82Val; replaces phenylalanine 82 with valine.
Molecular consequence: missense variant. On other transcripts: 5 prime UTR variant (2), non-coding transcript variant (2).
Genome position (GRCh38, 1-based): chr22:46,337,940, T>G. VCF-style: chr22-46337940-T-G. GRCh37 (hg19) VCF-style: chr22-46733837-T-G.
Other names: c.244T>G, p.Phe82Val (NM_001008568.2, NM_001008570.2, NM_001282785.2); c.9T>G, p.Cys3Trp (NM_001282782.2); c.-11T>G (NM_001282783.2, NM_001282784.2); c.244T>G (NM_018006.4); short protein forms F82V, C3W.
Identifiers: ClinVar variation 2191832 (VCV002191832.5), dbSNP rs1291699841, ClinGen allele CA411940507.

ClinVar aggregate classification (germline): Likely pathogenic. Review status: criteria provided, multiple submitters, no conflicts (2 of 4 stars). 2 submissions from 2 submitters: Likely pathogenic (2). Last evaluated 2025-03-22.

Conditions:
Acute infantile liver failure due to synthesis defect of mtDNA-encoded proteins. Also called: LIVER FAILURE, INFANTILE, TRANSIENT; Liver failure acute infantile; TRMU Deficiency. Identifiers: Orphanet 217371, MedGen C3278664, MONDO:0013111, OMIM 613070.

Allele frequency attached by ClinVar (database versions not stated): gnomAD exomes below 0.00001.
gnomAD v4.1: 1 of 1,614,164 alleles (0.000062%); highest among the groups gnomAD compares: East Asian, 0.0022%; no homozygotes.

Submissions (2):

Natera, Inc.
Classification: Likely pathogenic for Acute infantile liver failure due to synthesis defect of mtDNA-encoded proteins. Last evaluated: 2025-03-22. Review status: criteria provided, single submitter. Criteria: Natera Variant Classification Schema (03/2026). Collection method: clinical testing. Allele origin: germline.
Comment: The c.244T>G variant in TRMU is a missense variant predicted to cause substitution of phenylalanine to valine at amino acid 82. This variant is rare in the general population with a frequency below the threshold expected for the associated phenotype(s). This variant has been observed in one or more individuals affected with the associated recessive disease, as either homozygous or compound heterozygous with a second variant (PMID: 33205917). Functional studies show that this variant may disrupt protein function (PMID: 38113276). Computational prediction algorithms indicate this variant is likely to affect gene or protein function. Given the available evidence, this variant is classified as Likely Pathogenic.

Labcorp Genetics (formerly Invitae), Labcorp
Classification: Likely pathogenic. Last evaluated: 2023-07-25. Review status: criteria provided, single submitter. Criteria: Invitae Variant Classification Sherloc (09022015). Collection method: clinical testing. Allele origin: germline.
Comment: This missense change has been observed in individual(s) with TRMU-related conditions (PMID: 33205917). In at least one individual the data is consistent with being in trans (on the opposite chromosome) from a pathogenic variant. This variant is present in population databases (no rsID available, gnomAD 0.01%). This sequence change replaces phenylalanine, which is neutral and non-polar, with valine, which is neutral and non-polar, at codon 82 of the TRMU protein (p.Phe82Val). In summary, the currently available evidence indicates that the variant is pathogenic, but additional data are needed to prove that conclusively. Therefore, this variant has been classified as Likely Pathogenic. Advanced modeling of protein sequence and biophysical properties (such as structural, functional, and spatial information, amino acid conservation, physicochemical variation, residue mobility, and thermodynamic stability) performed at Invitae indicates that this missense variant is expected to disrupt TRMU protein function. ClinVar contains an entry for this variant (Variation ID: 2191832).

Literature cited by the submitters: PubMed 33205917 (cited by Natera, Inc. and Labcorp Genetics (formerly Invitae), Labcorp); PubMed 38113276 (cited by Natera, Inc.).